The following is an entry in ClinVar:

NM_006904.7(PRKDC):c.2143G>A (p.Ala715Thr)

Gene: PRKDC (protein kinase, DNA-activated, catalytic subunit; minus strand). Cytogenetic location: 8q11.21.
Variant type: single nucleotide variant.
Coding change: c.2143G>A on transcript NM_006904.7 (MANE Select); coding-DNA position 2143, G replaced by A.
Protein change: p.Ala715Thr; replaces alanine 715 with threonine.
Molecular consequence: missense variant.
Genome position (GRCh38, 1-based): chr8:47,927,887, C>T on the plus strand (G>A on the coding strand, the complement: PRKDC is on the minus strand). VCF-style: chr8-47927887-C-T. GRCh37 (hg19) VCF-style: chr8-48840447-C-T.
Other names: c.2143G>A, p.Ala715Thr (NM_001081640.2); short protein forms A715T.
Identifiers: ClinVar variation 570742 (VCV000570742.10), dbSNP rs776400735, ClinGen allele CA4741525.
Genomic context (GRCh38, chr8:47,927,887, plus strand): 5'-ACAGAAGAAAGGTCAAACAAGAGGCCAAAAGTTCATCTTTGTACTGCTTCATTTTAACTG[C>T]CACCTTAACAAGAAAGAAGACAGTAATGTATATCTGAATAGAGCCTACATTTGAAAATCA-3'
Protein context (NP_008835.5, residues 705-725): ALFVKFGKEV[Ala715Thr]VKMKQYKDEL

ClinVar aggregate classification (germline): Uncertain significance. Review status: criteria provided, multiple submitters, no conflicts (2 of 4 stars). 2 submissions from 2 submitters: Uncertain significance (2). Last evaluated 2024-11-05.

Conditions:
Severe combined immunodeficiency due to DNA-PKcs deficiency. Also called: IMMUNODEFICIENCY 26 WITH NEUROLOGIC ABNORMALITIES; Immunodeficiency 26 with or without neurologic abnormalities. Identifiers: Orphanet 317425, MedGen C4014833, MONDO:0014423, OMIM 615966.

Allele frequency attached by ClinVar (database versions not stated): ExAC 0.00001; gnomAD exomes 0.00001; gnomAD 0.00009; TOPMed 0.00009.
gnomAD v4.1: 22 of 1,561,232 alleles (0.0014%); highest among the groups gnomAD compares: African/African-American, 0.026%; no homozygotes.

Submissions (2):

Labcorp Genetics (formerly Invitae), Labcorp
Classification: Uncertain significance for Severe combined immunodeficiency due to DNA-PKcs deficiency. Last evaluated: 2024-11-05. Review status: criteria provided, single submitter. Criteria: Invitae Variant Classification Sherloc (09022015). Collection method: clinical testing. Allele origin: germline.
Comment: This sequence change replaces alanine, which is neutral and non-polar, with threonine, which is neutral and polar, at codon 715 of the PRKDC protein (p.Ala715Thr). The frequency data for this variant in the population databases is considered unreliable, as metrics indicate poor data quality at this position in the gnomAD database. This variant has not been reported in the literature in individuals affected with PRKDC-related conditions. ClinVar contains an entry for this variant (Variation ID: 570742). Invitae Evidence Modeling of protein sequence and biophysical properties (such as structural, functional, and spatial information, amino acid conservation, physicochemical variation, residue mobility, and thermodynamic stability) indicates that this missense variant is not expected to disrupt PRKDC protein function with a negative predictive value of 80%. In summary, the available evidence is currently insufficient to determine the role of this variant in disease. Therefore, it has been classified as a Variant of Uncertain Significance.

Ambry Genetics
Classification: Uncertain significance. Last evaluated: 2023-04-07. Review status: criteria provided, single submitter. Criteria: Ambry Variant Classification Scheme 2023. Collection method: clinical testing. Allele origin: germline.